The following is an entry in ClinVar:

NM_000377.3(WAS):c.778-1G>A

Gene: WAS (WASP actin nucleation promoting factor; plus strand). Cytogenetic location: Xp11.23.
Variant type: single nucleotide variant.
Coding change: c.778-1G>A on transcript NM_000377.3 (MANE Select); the canonical splice acceptor site of the intron before coding-DNA position 778, G replaced by A.
Molecular consequence: splice acceptor variant.
Genome position (GRCh38, 1-based): chrX:48,688,299, G>A. VCF-style: chrX-48688299-G-A. GRCh37 (hg19) VCF-style: chrX-48546688-G-A.
Identifiers: ClinVar variation 1526129 (VCV001526129.1), dbSNP rs2147265861, ClinGen allele CA412872144.

ClinVar aggregate classification (germline): Likely pathogenic (1 of 4 stars; one submission).

Conditions:
Wiskott-Aldrich syndrome (WAS). Also called: ALDRICH SYNDROME; IMMUNODEFICIENCY 2; WISKOTT-ALDRICH SYNDROME 1; Wiskott-aldrich syndrome, somatic. Identifiers: Orphanet 906, MedGen C0043194, MONDO:0010518, OMIM 301000.

Submission:

3billion
Classification: Likely pathogenic for Wiskott-Aldrich syndrome. Last evaluated: 2022-03-22. Review status: criteria provided, single submitter. Criteria: ACMG Guidelines, 2015. Collection method: clinical testing. Allele origin: germline. Affected: yes. Observed: 1 heterozygote, 1 mosaic individual.
Comment: Canonical splice site: predicted to alter splicing and result in a loss or disruption of normal protein function through nonsense-mediated decay (NMD) or protein truncation. Multiple pathogenic variants are reported downstream of the variant.It is not observed in the gnomAD v2.1.1 dataset. Therefore, this variant is classified as likely pathogenic according to the recommendation of ACMG/AMP guideline.